The following is an entry in ClinVar:

ClinVar aggregate classification (germline): Uncertain significance (0 of 4 stars; one submission).

Submission:

Department of Pathology and Laboratory Medicine, Sinai Health System
Classification: Uncertain significance. Review status: no assertion criteria provided. Collection method: clinical testing. Allele origin: unknown. Affected: yes. Study: The Canadian Open Genetics Repository (COGR).
Comment: The GLCCI1 p.Met197Leu variant was not identified in the literature nor was it identified in dbSNP, ClinVar, Cosmic or LOVD 3.0. The variant was not identified in the following control databases: the 1000 Genomes Project, the NHLBI GO Exome Sequencing Project, the Exome Aggregation Consortium (August 8th 2016), or the Genome Aggregation Database (Feb 27, 2017). The variant occurs outside of the splicing consensus sequence and 3 of 4 in silico or computational prediction software programs (MaxEntScan, NNSPLICE, GeneSplicer) do not predict a difference in splicing. The p.Met197 residue is conserved in mammals and distantly related organisms and computational analyses (PolyPhen-2, SIFT, AlignGVGD, BLOSUM, MutationTaster) provide inconsistent predictions regarding the impact to the protein; this information is not very predictive of pathogenicity. In summary, based on the above information the clinical significance of this variant cannot be determined with certainty at this time. This variant is classified as a variant of uncertain significance.

NM_138426.4(GLCCI1):c.589A>C (p.Met197Leu)

Gene: GLCCI1 (glucocorticoid induced 1; plus strand). Cytogenetic location: 7p21.3.
Variant type: single nucleotide variant.
Coding change: c.589A>C on transcript NM_138426.4 (MANE Select); coding-DNA position 589, A replaced by C.
Protein change: p.Met197Leu; replaces methionine 197 with leucine.
Molecular consequence: missense variant.
Genome position (GRCh38, 1-based): chr7:8,004,039, A>C. VCF-style: chr7-8004039-A-C. GRCh37 (hg19) VCF-style: chr7-8043669-A-C.
Other names: short protein forms M197L.
Identifiers: ClinVar variation 1050323 (VCV001050323.1), dbSNP rs139383513, ClinGen allele CA366491840.
Genomic context (GRCh38, chr7:8,004,039, plus strand): 5'-ACAGGACCTTACCTCACAGGACAGTGGCCACGGGATCCTCATGTTCACTACCCTTCATGC[A>C]TGAAAGACAAAGCTACTCAGGTAAAATCAGGAAATCAAAATCAGCTTATTACCCTGCACT-3'
Protein context (NP_612435.1, residues 187-207): RDPHVHYPSC[Met197Leu]KDKATQTPSC